The following is an entry in ClinVar:

NM_033337.3(CAV3):c.32C>T (p.Ala11Val)

Gene: CAV3 (caveolin 3; plus strand). Cytogenetic location: 3p25.3.
Variant type: single nucleotide variant.
Coding change: c.32C>T on transcript NM_033337.3 (MANE Select); coding-DNA position 32, C replaced by T.
Protein change: p.Ala11Val; replaces alanine 11 with valine.
Molecular consequence: missense variant.
Genome position (GRCh38, 1-based): chr3:8,733,908, C>T. VCF-style: chr3-8733908-C-T. GRCh37 (hg19) VCF-style: chr3-8775594-C-T.
Other names: c.32C>T, p.Ala11Val (NM_001234.5); short protein forms A11V.
Identifiers: ClinVar variation 519540 (VCV000519540.13), dbSNP rs867194464, ClinGen allele CA69861862.

ClinVar aggregate classification (germline): Conflicting classifications of pathogenicity. Review status: criteria provided, conflicting classifications (1 of 4 stars). 3 submissions from 3 submitters: Uncertain significance (2); Likely benign (1). Last evaluated 2025-01-22.

Conditions:
Cardiovascular phenotype. Identifiers: MedGen CN230736.
Long QT syndrome (LQTS). Identifiers: MedGen C0023976, MeSH D008133, MONDO:0002442. Disease mechanism: loss of function. Inheritance: Various modes of inheritance.

Allele frequency attached by ClinVar (database versions not stated): gnomAD 0.00001.
gnomAD v4.1: 1 of 1,612,592 alleles (0.000062%); highest among the groups gnomAD compares: South Asian, 0.0011%; no homozygotes.

Submissions (3):

GeneDx
Classification: Likely benign. Last evaluated: 2025-01-22. Review status: criteria provided, single submitter. Criteria: GeneDx Variant Classification Process June 2021. Collection method: clinical testing. Allele origin: germline. Affected: yes.
Comment: See Variant Classification Assertion Criteria.

Ambry Genetics
Classification: Uncertain significance for Cardiovascular phenotype. Last evaluated: 2024-12-21. Review status: criteria provided, single submitter. Criteria: Ambry Variant Classification Scheme 2023. Collection method: clinical testing. Allele origin: germline.
Comment: The p.A11V variant (also known as c.32C>T), located in coding exon 1 of the CAV3 gene, results from a C to T substitution at nucleotide position 32. The alanine at codon 11 is replaced by valine, an amino acid with similar properties. This amino acid position is well conserved in available vertebrate species. In addition, the in silico prediction for this alteration is inconclusive. Since supporting evidence is limited at this time, the clinical significance of this alteration remains unclear.

Labcorp Genetics (formerly Invitae), Labcorp
Classification: Uncertain significance for Long QT syndrome. Last evaluated: 2024-05-06. Review status: criteria provided, single submitter. Criteria: Invitae Variant Classification Sherloc (09022015). Collection method: clinical testing. Allele origin: germline.
Comment: This sequence change replaces alanine, which is neutral and non-polar, with valine, which is neutral and non-polar, at codon 11 of the CAV3 protein (p.Ala11Val). This variant is present in population databases (no rsID available, gnomAD 0.007%). This variant has not been reported in the literature in individuals affected with CAV3-related conditions. ClinVar contains an entry for this variant (Variation ID: 519540). An algorithm developed to predict the effect of missense changes on protein structure and function (PolyPhen-2) suggests that this variant is likely to be tolerated. In summary, the available evidence is currently insufficient to determine the role of this variant in disease. Therefore, it has been classified as a Variant of Uncertain Significance.